The following is an entry in ClinVar:

NM_001211.6(BUB1B):c.737G>A (p.Gly246Glu)

Gene: BUB1B (BUB1 mitotic checkpoint serine/threonine kinase B; plus strand). Cytogenetic location: 15q15.1.
Variant type: single nucleotide variant.
Coding change: c.737G>A on transcript NM_001211.6 (MANE Select); coding-DNA position 737, G replaced by A.
Protein change: p.Gly246Glu; replaces glycine 246 with glutamic acid.
Molecular consequence: missense variant.
Genome position (GRCh38, 1-based): chr15:40,183,869, G>A. VCF-style: chr15-40183869-G-A. GRCh37 (hg19) VCF-style: chr15-40476070-G-A.
Other names: short protein forms G246E.
Identifiers: ClinVar variation 533905 (VCV000533905.8), dbSNP rs1407334063, ClinGen allele CA391683499.
Genomic context (GRCh38, chr15:40,183,869, plus strand): 5'-CACTAGCTGAACTAAAGAGCAAAGGGAAAAAGACAGCAAGAGCTCCAATCATCCGTGTAG[G>A]AGGTGCTCTCAAGGGTAAGTTTGTTAAACGTTATTTCGGAAAACTGTTAGTTTCTAGTGG-3'
Protein context (NP_001202.5, residues 236-256): KTARAPIIRV[Gly246Glu]GALKAPSQNR

ClinVar aggregate classification (germline): Uncertain significance. Review status: criteria provided, multiple submitters, no conflicts (2 of 4 stars). 2 submissions from 2 submitters: Uncertain significance (2). Last evaluated 2021-08-27.

Conditions:
Mosaic variegated aneuploidy syndrome 1 (MVA1). Also called: Warburton-Anyane-Yeboa syndrome. Identifiers: Orphanet 1052, MedGen C1850343, MONDO:0009759, OMIM 257300.
Premature chromatid separation trait (PCS). Also called: TOTAL PREMATURE CHROMATID SEPARATION TRAIT. Identifiers: MedGen C1864389, MONDO:0008304, OMIM 176430.
Carcinoma of colon (CRC). Also called: Colon carcinoma; Colonic carcinoma. Identifiers: MedGen C0699790, MONDO:0002032.

Allele frequency attached by ClinVar (database versions not stated): gnomAD exomes below 0.00001; TOPMed 0.00001.

Submissions (2):

Labcorp Genetics (formerly Invitae), Labcorp
Classification: Uncertain significance for Mosaic variegated aneuploidy syndrome 1. Last evaluated: 2021-08-27. Review status: criteria provided, single submitter. Criteria: Invitae Variant Classification Sherloc (09022015). Collection method: clinical testing. Allele origin: germline.
Comment: This sequence change replaces glycine with glutamic acid at codon 246 of the BUB1B protein (p.Gly246Glu). The glycine residue is highly conserved and there is a moderate physicochemical difference between glycine and glutamic acid. This variant is not present in population databases (ExAC no frequency). This variant has not been reported in the literature in individuals affected with BUB1B-related conditions. Algorithms developed to predict the effect of missense changes on protein structure and function are either unavailable or do not agree on the potential impact of this missense change (SIFT: "Deleterious"; PolyPhen-2: "Probably Damaging"; Align-GVGD: "Class C0"). In summary, the available evidence is currently insufficient to determine the role of this variant in disease. Therefore, it has been classified as a Variant of Uncertain Significance.

Fulgent Genetics
Classification: Uncertain significance for Colorectal cancer; Premature chromatid separation trait; Mosaic variegated aneuploidy syndrome 1. Last evaluated: 2018-10-31. Review status: criteria provided, single submitter. Criteria: ACMG Guidelines, 2015. Collection method: clinical testing. Allele origin: unknown.